The following is an entry in ClinVar:

NM_198578.4(LRRK2):c.2042C>G (p.Ser681Cys)

Gene: LRRK2 (leucine rich repeat kinase 2; plus strand). Cytogenetic location: 12q12.
Variant type: single nucleotide variant.
Coding change: c.2042C>G on transcript NM_198578.4 (MANE Select); coding-DNA position 2042, C replaced by G.
Protein change: p.Ser681Cys; replaces serine 681 with cysteine.
Molecular consequence: missense variant.
Genome position (GRCh38, 1-based): chr12:40,277,988, C>G. VCF-style: chr12-40277988-C-G. GRCh37 (hg19) VCF-style: chr12-40671790-C-G.
Other names: short protein forms S681C.
Identifiers: ClinVar variation 2453011 (VCV002453011.2), dbSNP rs2499637758, ClinGen allele CA384404687.
Genomic context (GRCh38, chr12:40,277,988, plus strand): 5'-CTTTTTCTAAGCTGCTGGTGCATCATTCATTTGACTTAGTAATATTCCATCAAATGTCTT[C>G]CAATATCATGGAACAAAAGGATCAACAGGTACAGTGTTTTTCACTTGCATCCTAAATGTT-3'
Protein context (NP_940980.4, residues 671-691): FDLVIFHQMS[Ser681Cys]NIMEQKDQQF

ClinVar aggregate classification (germline): Uncertain significance (1 of 4 stars; one submission).

Conditions:
Inborn genetic diseases. Identifiers: MedGen C0950123, MeSH D030342.

Submission:

Ambry Genetics
Classification: Uncertain significance for Inborn genetic diseases. Last evaluated: 2022-11-05. Review status: criteria provided, single submitter. Criteria: Ambry Variant Classification Scheme 2023. Collection method: clinical testing. Allele origin: germline.
Comment: The p.S681C variant (also known as c.2042C>G), located in coding exon 17 of the LRRK2 gene, results from a C to G substitution at nucleotide position 2042. The serine at codon 681 is replaced by cysteine, an amino acid with dissimilar properties. This amino acid position is conserved. In addition, this alteration is predicted to be tolerated by in silico analysis. Since supporting evidence is limited at this time, the clinical significance of this alteration remains unclear.